The following is an entry in ClinVar:

ClinVar aggregate classification (germline): Pathogenic. Review status: criteria provided, multiple submitters, no conflicts (2 of 4 stars). 3 submissions from 3 submitters: Pathogenic (3). Last evaluated 2024-11-27.

Conditions:
Hereditary cancer-predisposing syndrome. Also called: Neoplastic Syndromes, Hereditary; Hereditary Cancer Syndrome; Hereditary neoplastic syndrome; Tumor predisposition. Identifiers: Orphanet 140162, MedGen C0027672, MeSH D009386, MONDO:0015356.
Microcephaly, normal intelligence and immunodeficiency (NBS). Also called: Nijmegen breakage syndrome; Microcephaly with normal intelligence immunodeficiency and lymphoreticular malignancies; Nonsyndromal microcephaly autosomal recessive with normal intelligence; Seemanova syndrome 2; Immunodeficiency, microcephaly with normal intelligence; IMMUNODEFICIENCY, MICROCEPHALY, AND CHROMOSOMAL INSTABILITY. Identifiers: Orphanet 647, MedGen C0398791, MONDO:0009623, OMIM 251260.

Submissions (3):

Ambry Genetics
Classification: Pathogenic for Hereditary cancer-predisposing syndrome. Last evaluated: 2024-11-27. Review status: criteria provided, single submitter. Criteria: Ambry Variant Classification Scheme 2023. Collection method: clinical testing. Allele origin: germline.
Comment: The c.492dupA pathogenic mutation, located in coding exon 5 of the NBN gene, results from a duplication of A at nucleotide position 492, causing a translational frameshift with a predicted alternate stop codon (p.L165Tfs*15). This alteration is expected to result in loss of function by premature protein truncation or nonsense-mediated mRNA decay. As such, this alteration is interpreted as a disease-causing mutation.

Myriad Genetics, Inc.
Classification: Pathogenic for Microcephaly, normal intelligence and immunodeficiency. Last evaluated: 2023-10-02. Review status: criteria provided, single submitter. Criteria: Myriad Autosomal Dominant, Autosomal Recessive and X-Linked Classification Criteria (2023). Collection method: clinical testing. Allele origin: unknown.
Comment: NM_002485.4(NBN):c.492dupA(L165Tfs*15) is expected to be pathogenic in the context of Nijmegen breakage syndrome. This variant is predicted to lead to an abnormal or absent protein product due to the creation of a premature termination codon in NBN, a gene where loss-of-function variants are known to be pathogenic. Please note: this variant was assessed in the context of healthy population screening.

Labcorp Genetics (formerly Invitae), Labcorp
Classification: Pathogenic for Microcephaly, normal intelligence and immunodeficiency. Last evaluated: 2023-04-05. Review status: criteria provided, single submitter. Criteria: Invitae Variant Classification Sherloc (09022015). Collection method: clinical testing. Allele origin: germline.
Comment: This sequence change creates a premature translational stop signal (p.Leu165Thrfs*15) in the NBN gene. It is expected to result in an absent or disrupted protein product. Loss-of-function variants in NBN are known to be pathogenic (PMID: 9590180, 16415040). This variant is not present in population databases (gnomAD no frequency). This variant has not been reported in the literature in individuals affected with NBN-related conditions. ClinVar contains an entry for this variant (Variation ID: 825298). For these reasons, this variant has been classified as Pathogenic.

Literature cited by the submitters: PubMed 9590180 (cited by Labcorp Genetics (formerly Invitae), Labcorp); PubMed 16415040 (cited by Labcorp Genetics (formerly Invitae), Labcorp).

NM_002485.5(NBN):c.492dup (p.Leu165fs)

Gene: NBN (nibrin; minus strand). Cytogenetic location: 8q21.3.
Variant type: Duplication.
Coding change: c.492dup on transcript NM_002485.5 (MANE Select); coding-DNA position 492, one base duplicated (A; older notation c.492dupA).
Protein change: p.Leu165fs; shifts the reading frame from leucine 165.
Molecular consequence: frameshift variant.
Genome position (GRCh38, 1-based): chr8:89,978,312, T duplicated on the plus strand (A on the coding strand, the reverse complement: NBN is on the minus strand). VCF-style (leftmost placement, unchanged base first): chr8-89978311-G-GT. GRCh37 (hg19) VCF-style: chr8-90990539-G-GT.
Other names: c.246dup, p.Leu83fs (NM_001024688.3); short protein forms L83fs, L165fs.
Identifiers: ClinVar variation 825298 (VCV000825298.9), dbSNP rs1586101609, ClinGen allele CA915945799.